The following is an entry in ClinVar:

ClinVar aggregate classification (germline): Uncertain significance. Review status: criteria provided, multiple submitters, no conflicts (2 of 4 stars). 2 submissions from 2 submitters: Uncertain significance (2). Last evaluated 2021-10-25.

Conditions:
Alexander disease (ALXDRD). Also called: Alexander's disease. Identifiers: Orphanet 58, MedGen C0270726, MONDO:0008752, OMIM 203450.

Allele frequency attached by ClinVar (database versions not stated): gnomAD exomes below 0.00001 and 0.00001; TOPMed below 0.00001; gnomAD 0.00001.
gnomAD v4.1: 16 of 1,614,020 alleles (0.00099%); highest among the groups gnomAD compares: South Asian, 0.0022%; no homozygotes.

Submissions (2):

Fulgent Genetics
Classification: Uncertain significance for Alexander disease. Last evaluated: 2021-10-25. Review status: criteria provided, single submitter. Criteria: ACMG Guidelines, 2015. Collection method: clinical testing. Allele origin: unknown.

Baylor Genetics
Classification: Uncertain significance for Alexander disease. Last evaluated: 2018-04-17. Review status: criteria provided, single submitter. Criteria: ACMG Guidelines, 2015. Collection method: clinical testing. Allele origin: paternal. Affected: yes.
Comment: This variant was determined to be of uncertain significance according to ACMG Guidelines, 2015 [PMID:25741868].

NM_002055.5(GFAP):c.697G>A (p.Ala233Thr)

Gene: GFAP (glial fibrillary acidic protein; minus strand). Cytogenetic location: 17q21.31.
Variant type: single nucleotide variant.
Coding change: c.697G>A on transcript NM_002055.5 (MANE Select); coding-DNA position 697, G replaced by A.
Protein change: p.Ala233Thr; replaces alanine 233 with threonine.
Molecular consequence: missense variant.
Genome position (GRCh38, 1-based): chr17:44,913,352, C>T on the plus strand (G>A on the coding strand, the complement: GFAP is on the minus strand). VCF-style: chr17-44913352-C-T. GRCh37 (hg19) VCF-style: chr17-42990720-C-T.
Other names: c.697G>A, p.Ala233Thr (NM_001131019.3, NM_001242376.3, NM_001363846.2); short protein forms A233T.
Identifiers: ClinVar variation 1032795 (VCV001032795.2), dbSNP rs1220287768, ClinGen allele CA399845768.
Genomic context (GRCh38, chr17:44,913,352, plus strand): 5'-CTTCATGCATGTTGCTGGACGCCATTGCCTCATACTGCGTGCGGATCTCTTTCAGGGCTG[C>T]GGTGAGGTCTGGCTTGGCCACGTCAAGCTCCACATGGACCTGCTGTCGGGCCAGCTGCTC-3'
Protein context (NP_002046.1, residues 223-243): ELDVAKPDLT[Ala233Thr]ALKEIRTQYE